The following is an entry in ClinVar:

NM_001164508.2(NEB):c.22044_22045del (p.Val7348_Ser7349insTer)

Genes: NEB (nebulin; minus strand), RIF1 (replication timing regulatory factor 1; plus strand). Cytogenetic location: 2q23.3.
Variant type: Microsatellite.
Coding change: c.22044_22045del on transcript NM_001164508.2 (MANE Select); coding-DNA positions 22044 to 22045, 2 bases deleted (GT; older notation c.22044_22045delGT).
Protein change: p.Val7348_Ser7349insTer.
Molecular consequence: frameshift variant.
Genome position (GRCh38, 1-based): chr2:151,526,163-151,526,164, AC deleted on the plus strand (GT on the coding strand, the reverse complement: NEB is on the minus strand); deleting any 2 consecutive bases within chr2:151,526,163-151,526,166 gives the same sequence; the c. name uses the placement nearest the transcript's 3' end. VCF-style (leftmost placement, unchanged base first): chr2-151526162-GAC-G. GRCh37 (hg19) VCF-style: chr2-152382676-GAC-G.
Other names: c.22044_22045del, p.Val7348_Ser7349insTer (NM_001164507.2); c.22149_22150del, p.Val7383_Ser7384insTer (NM_001271208.2); c.16941_16942del, p.Val5647_Ser5648insTer (NM_004543.5).
Identifiers: ClinVar variation 1068855 (VCV001068855.7), dbSNP rs2153453236, ClinGen allele CA2580611701.

ClinVar aggregate classification (germline): Pathogenic (1 of 4 stars; one submission).

Conditions:
Nemaline myopathy 2 (NEM2). Also called: Nemaline myopathy 2, autosomal recessive. Identifiers: MedGen C1850569, MONDO:0009725, OMIM 256030.

Submission:

Labcorp Genetics (formerly Invitae), Labcorp
Classification: Pathogenic for Nemaline myopathy 2. Last evaluated: 2020-08-20. Review status: criteria provided, single submitter. Criteria: Invitae Variant Classification Sherloc (09022015). Collection method: clinical testing. Allele origin: germline.
Comment: For these reasons, this variant has been classified as Pathogenic. Loss-of-function variants in NEB are known to be pathogenic (PMID: 25205138). This variant has not been reported in the literature in individuals with NEB-related conditions. This variant is not present in population databases (ExAC no frequency). This sequence change creates a premature translational stop signal (p.Ser7384*) in the NEB gene. It is expected to result in an absent or disrupted protein product.

Literature cited by the submitters: PubMed 25205138.